The following is an entry in ClinVar:

NM_004484.4(GPC3):c.816A>G (p.Lys272=)

Gene: GPC3 (glypican 3; minus strand). Cytogenetic location: Xq26.2.
Variant type: single nucleotide variant.
Coding change: c.816A>G on transcript NM_004484.4 (MANE Select); coding-DNA position 816, A replaced by G.
Protein change: p.Lys272=; no amino-acid change (lysine 272 retained).
Molecular consequence: synonymous variant.
Genome position (GRCh38, 1-based): chrX:133,753,698, T>C on the plus strand (A>G on the coding strand, the complement: GPC3 is on the minus strand). VCF-style: chrX-133753698-T-C. GRCh37 (hg19) VCF-style: chrX-132887725-T-C.
Other names: c.816A>G, p.Lys272= (NM_001164617.2); c.768A>G, p.Lys256= (NM_001164618.2); c.654A>G, p.Lys218= (NM_001164619.2).
Identifiers: ClinVar variation 4083919 (VCV004083919.8).

ClinVar aggregate classification (germline): Likely benign (1 of 4 stars; one submission).

Submission:

CeGaT Center for Human Genetics Tuebingen
Classification: Likely benign. Last evaluated: 2025-08-01. Review status: criteria provided, single submitter. Criteria: CeGaT Center For Human Genetics Tuebingen Variant Classification Criteria Version 2. Collection method: clinical testing. Allele origin: germline. Affected: yes. Observed: 1 variant allele.
Comment: GPC3: PM2:Supporting, BP4, BP7